The following is an entry in ClinVar:

NM_001401501.2(MUC16):c.8811C>T (p.Val2937=)

Gene: MUC16 (mucin 16, cell surface associated; minus strand). Cytogenetic location: 19p13.2.
Variant type: single nucleotide variant.
Coding change: c.8811C>T on transcript NM_001401501.2 (MANE Select); coding-DNA position 8811, C replaced by T.
Protein change: p.Val2937=; no amino-acid change (valine 2937 retained).
Molecular consequence: synonymous variant.
Genome position (GRCh38, 1-based): chr19:8,972,448, G>A on the plus strand (C>T on the coding strand, the complement: MUC16 is on the minus strand). VCF-style: chr19-8972448-G-A. GRCh37 (hg19) VCF-style: chr19-9083124-G-A.
Other names: c.9237C>T, p.Val3079= (NM_001414686.1); c.8691C>T, p.Val2897= (NM_001414687.1, NM_024690.2).
Identifiers: ClinVar variation 3060263 (VCV003060263.2), dbSNP rs12608495, ClinGen allele CA9171918.

ClinVar aggregate classification (germline): Benign (0 of 4 stars; one submission).

Conditions:
MUC16-related disorder. Also called: MUC16-related condition.

Allele frequency attached by ClinVar (database versions not stated): 1000 Genomes Project 0.13898; 1000 Genomes Project 30x 0.14007; TOPMed 0.20018; gnomAD 0.20703; ExAC 0.22873; ESP Exome Variant Server 0.23069; gnomAD exomes 0.29057.

Submission:

PreventionGenetics, part of Exact Sciences
Classification: Benign for MUC16-related condition. Last evaluated: 2019-10-21. Review status: no assertion criteria provided. Collection method: clinical testing. Allele origin: germline.
Comment: This variant is classified as benign based on ACMG/AMP sequence variant interpretation guidelines (Richards et al. 2015 PMID: 25741868, with internal and published modifications).